The following is an entry in ClinVar:

NM_004972.4(JAK2):c.2071A>C (p.Asn691His)

Genes: INSL6 (insulin like 6; minus strand), JAK2 (Janus kinase 2; plus strand). Cytogenetic location: 9p24.1.
Variant type: single nucleotide variant.
Coding change: c.2071A>C on transcript NM_004972.4 (MANE Select); coding-DNA position 2071, A replaced by C.
Protein change: p.Asn691His; replaces asparagine 691 with histidine.
Molecular consequence: missense variant. On other transcripts: non-coding transcript variant (2).
Genome position (GRCh38, 1-based): chr9:5,078,384, A>C. VCF-style: chr9-5078384-A-C. GRCh37 (hg19) VCF-style: chr9-5078384-A-C.
Other names: c.2071A>C, p.Asn691His (NM_001322194.2, NM_001322195.2, NM_001322196.2); c.856A>C, p.Asn286His (NM_001322198.2, NM_001322199.2); c.1624A>C, p.Asn542His (NM_001322204.2); short protein forms N542H, N691H, N286H.
Identifiers: ClinVar variation 2184832 (VCV002184832.5), dbSNP rs151160183, ClinGen allele CA4972045.

ClinVar aggregate classification (germline): Uncertain significance. Review status: criteria provided, multiple submitters, no conflicts (2 of 4 stars). 2 submissions from 2 submitters: Uncertain significance (2). Last evaluated 2025-12-09.

Conditions:
JAK2-related disorder. Also called: JAK2-related condition.

Allele frequency attached by ClinVar (database versions not stated): ExAC 0.00002; gnomAD exomes 0.00002; gnomAD 0.00017; ESP Exome Variant Server 0.00023.
gnomAD v4.1: 56 of 1,612,932 alleles (0.0035%); highest among the groups gnomAD compares: African/African-American, 0.067%; 1 homozygote.

Submissions (2):

Labcorp Genetics (formerly Invitae), Labcorp
Classification: Uncertain significance. Last evaluated: 2025-12-09. Review status: criteria provided, single submitter. Criteria: Invitae Variant Classification Sherloc (09022015). Collection method: clinical testing. Allele origin: germline.
Comment: This sequence change replaces asparagine, which is neutral and polar, with histidine, which is basic and polar, at codon 691 of the JAK2 protein (p.Asn691His). This variant is present in population databases (rs151160183, gnomAD 0.03%). This variant has not been reported in the literature in individuals affected with JAK2-related conditions. ClinVar contains an entry for this variant (Variation ID: 2184832). Invitae Evidence Modeling of protein sequence and biophysical properties (such as structural, functional, and spatial information, amino acid conservation, physicochemical variation, residue mobility, and thermodynamic stability) indicates that this missense variant is not expected to disrupt JAK2 protein function with a negative predictive value of 80%. In summary, the available evidence is currently insufficient to determine the role of this variant in disease. Therefore, it has been classified as a Variant of Uncertain Significance.

PreventionGenetics, part of Exact Sciences
Classification: Uncertain significance for JAK2-related condition. Last evaluated: 2023-06-20. Review status: criteria provided, single submitter. Criteria: ACMG Guidelines, 2015. Collection method: clinical testing. Allele origin: germline.
Comment: The JAK2 c.2071A>C variant is predicted to result in the amino acid substitution p.Asn691His. To our knowledge, this variant has not been reported in the literature. This variant is reported in 0.032% of alleles in individuals of African descent in gnomAD. At this time, the clinical significance of this variant is uncertain due to the absence of conclusive functional and genetic evidence.